The following is an entry in ClinVar:

ClinVar aggregate classification (germline): Uncertain significance (1 of 4 stars; one submission).

Submission:

Labcorp Genetics (formerly Invitae), Labcorp
Classification: Uncertain significance. Last evaluated: 2022-06-05. Review status: criteria provided, single submitter. Criteria: Invitae Variant Classification Sherloc (09022015). Collection method: clinical testing. Allele origin: germline.
Comment: In summary, the available evidence is currently insufficient to determine the role of this variant in disease. Therefore, it has been classified as a Variant of Uncertain Significance. This sequence change replaces leucine, which is neutral and non-polar, with proline, which is neutral and non-polar, at codon 82 of the OPN1SW protein (p.Leu82Pro). This variant is not present in population databases (gnomAD no frequency). This variant has not been reported in the literature in individuals affected with OPN1SW-related conditions. ClinVar contains an entry for this variant (Variation ID: 1502734). Algorithms developed to predict the effect of missense changes on protein structure and function (SIFT, PolyPhen-2, Align-GVGD) all suggest that this variant is likely to be disruptive.

NM_001385125.1(OPN1SW):c.236T>C (p.Leu79Pro)

Gene: OPN1SW (opsin 1, short wave sensitive; minus strand). Cytogenetic location: 7q32.1.
Variant type: single nucleotide variant.
Coding change: c.236T>C on transcript NM_001385125.1 (MANE Select); coding-DNA position 236, T replaced by C.
Protein change: p.Leu79Pro; replaces leucine 79 with proline.
Molecular consequence: missense variant.
Genome position (GRCh38, 1-based): chr7:128,775,546, A>G on the plus strand (T>C on the coding strand, the complement: OPN1SW is on the minus strand). VCF-style: chr7-128775546-A-G. GRCh37 (hg19) VCF-style: chr7-128415600-A-G.
Other names: short protein forms L79P.
Identifiers: ClinVar variation 1502734 (VCV001502734.6), dbSNP rs2128886269, ClinGen allele CA369221925.